The following is an entry in ClinVar:

NM_001110556.2(FLNA):c.3634C>T (p.His1212Tyr)

Gene: FLNA (filamin A; minus strand). Cytogenetic location: Xq28.
Variant type: single nucleotide variant.
Coding change: c.3634C>T on transcript NM_001110556.2 (MANE Select); coding-DNA position 3634, C replaced by T.
Protein change: p.His1212Tyr; replaces histidine 1212 with tyrosine.
Molecular consequence: missense variant.
Genome position (GRCh38, 1-based): chrX:154,360,161, G>A on the plus strand (C>T on the coding strand, the complement: FLNA is on the minus strand). VCF-style: chrX-154360161-G-A. GRCh37 (hg19) VCF-style: chrX-153588529-G-A.
Other names: p.H1212Y:CAC>TAC; c.3634C>T, p.His1212Tyr (NM_001456.4); short protein forms H1212Y.
Identifiers: ClinVar variation 213473 (VCV000213473.13), dbSNP rs782721742, ClinGen allele CA322442.

ClinVar aggregate classification (germline): Uncertain significance. Review status: criteria provided, multiple submitters, no conflicts (2 of 4 stars). 3 submissions from 3 submitters: Uncertain significance (3). Last evaluated 2026-04-04.

Conditions:
Heterotopia, periventricular, X-linked dominant (PVNH1). Also called: PERIVENTRICULAR NODULAR HETEROTOPIA 4; HETEROTOPIA, PERIVENTRICULAR, 1; X-linked periventricular heterotopia; PERIVENTRICULAR NODULAR HETEROTOPIA 1. Identifiers: Orphanet 2149, Orphanet 82004, MedGen C1848213, MONDO:0010233, OMIM 300049.
Oto-palato-digital syndrome, type II (OPD2). Also called: Otopalatodigital Syndrome, Type II; Otopalatodigital Syndrome Type 2 (FLNA-OPD2); FACIOPALATOOSSEOUS SYNDROME; OPD II SYNDROME. Identifiers: Orphanet 669, Orphanet 90652, MedGen C1844696, MONDO:0010571, OMIM 304120.
Frontometaphyseal dysplasia (FMD1). Identifiers: Orphanet 1826, MedGen C0265293, MONDO:0015942.
Melnick-Needles syndrome (MNS). Also called: Melnick-Needles Syndrome (FLNA-MNS); MELNICK-NEEDLES OSTEODYSPLASTY; OSTEODYSPLASTY OF MELNICK AND NEEDLES. Identifiers: Orphanet 2484, MedGen C0025237, MONDO:0010650, OMIM 309350.
Familial thoracic aortic aneurysm and aortic dissection (TAAD). Also called: Thoracic aortic aneurysms and dissections. Identifiers: Orphanet 91387, MedGen C4707243, MONDO:0019625.

gnomAD v4.1: 1 of 1,209,519 alleles (0.000083%); highest among the groups gnomAD compares: Non-Finnish European, 0.00011%; no homozygotes.

Submissions (3):

Ambry Genetics
Classification: Uncertain significance for Familial thoracic aortic aneurysm and aortic dissection. Last evaluated: 2026-04-04. Review status: criteria provided, single submitter. Criteria: Ambry Variant Classification Scheme 2023. Collection method: clinical testing. Allele origin: germline.
Comment: The p.H1212Y variant (also known as c.3634C>T), located in coding exon 21 of the FLNA gene, results from a C to T substitution at nucleotide position 3634. The histidine at codon 1212 is replaced by tyrosine, an amino acid with similar properties. This amino acid position is conserved. In addition, this alteration is predicted to be tolerated by in silico analysis. Based on the available evidence, the clinical significance of this variant remains unclear.

GeneDx
Classification: Uncertain significance. Last evaluated: 2023-06-28. Review status: criteria provided, single submitter. Criteria: GeneDx Variant Classification Process June 2021. Collection method: clinical testing. Allele origin: germline. Affected: yes.
Comment: Not observed at significant frequency in large population cohorts (gnomAD); In silico analysis supports that this missense variant has a deleterious effect on protein structure/function; Has not been previously published as pathogenic or benign to our knowledge

Labcorp Genetics (formerly Invitae), Labcorp
Classification: Uncertain significance for Oto-palato-digital syndrome, type II; Heterotopia, periventricular, X-linked dominant; Frontometaphyseal dysplasia; Melnick-Needles syndrome. Last evaluated: 2023-03-09. Review status: criteria provided, single submitter. Criteria: Invitae Variant Classification Sherloc (09022015). Collection method: clinical testing. Allele origin: germline.
Comment: In summary, the available evidence is currently insufficient to determine the role of this variant in disease. Therefore, it has been classified as a Variant of Uncertain Significance. Advanced modeling of protein sequence and biophysical properties (such as structural, functional, and spatial information, amino acid conservation, physicochemical variation, residue mobility, and thermodynamic stability) performed at Invitae indicates that this missense variant is not expected to disrupt FLNA protein function. ClinVar contains an entry for this variant (Variation ID: 213473). This variant has not been reported in the literature in individuals affected with FLNA-related conditions. This variant is not present in population databases (gnomAD no frequency). This sequence change replaces histidine, which is basic and polar, with tyrosine, which is neutral and polar, at codon 1212 of the FLNA protein (p.His1212Tyr).